The following is an entry in ClinVar:

ClinVar aggregate classification (germline): Uncertain significance. Review status: criteria provided, multiple submitters, no conflicts (2 of 4 stars). 2 submissions from 2 submitters: Uncertain significance (2). Last evaluated 2023-01-28.

Conditions:
Tuberous sclerosis 2 (TSC2). Identifiers: Orphanet 805, MedGen C1860707, MONDO:0013199, OMIM 613254.
Lymphangiomyomatosis (LAM). Also called: Lymphangioleiomyomatosis; Lymphangioleiomyomatosis, somatic. Identifiers: Orphanet 538, MedGen C0751674, MONDO:0011705, OMIM 606690.
Isolated focal cortical dysplasia type II (FCORD2). Also called: CORTICAL DYSPLASIA OF TAYLOR; Focal cortical dysplasia type II. Identifiers: Orphanet 268994, MedGen C1846385, MONDO:0011818, OMIM 607341, HP:0032051.

Submissions (2):

Labcorp Genetics (formerly Invitae), Labcorp
Classification: Uncertain significance for Tuberous sclerosis 2. Last evaluated: 2023-01-28. Review status: criteria provided, single submitter. Criteria: Invitae Variant Classification Sherloc (09022015). Collection method: clinical testing. Allele origin: germline.
Comment: In summary, the available evidence is currently insufficient to determine the role of this variant in disease. Therefore, it has been classified as a Variant of Uncertain Significance. Advanced modeling of protein sequence and biophysical properties (such as structural, functional, and spatial information, amino acid conservation, physicochemical variation, residue mobility, and thermodynamic stability) performed at Invitae indicates that this missense variant is not expected to disrupt TSC2 protein function. This variant has not been reported in the literature in individuals affected with TSC2-related conditions. This variant is not present in population databases (gnomAD no frequency). This sequence change replaces aspartic acid, which is acidic and polar, with histidine, which is basic and polar, at codon 781 of the TSC2 protein (p.Asp781His).

Juno Genomics, Hangzhou Juno Genomics, Inc
Classification: Uncertain significance for Tuberous sclerosis 2; Isolated focal cortical dysplasia type II; Lymphangiomyomatosis. Review status: criteria provided, single submitter. Criteria: ACMG Guidelines, 2015. Collection method: clinical testing. Allele origin: germline.
Comment: Absent from controls (or at extremely low frequency if recessive) in Genome Aggregation Database.;Multiple lines of computational evidence support a deleterious effect on the gene or gene product.

NM_000548.5(TSC2):c.2341G>C (p.Asp781His)

Gene: TSC2 (TSC complex subunit 2; plus strand). Cytogenetic location: 16p13.3.
Variant type: single nucleotide variant.
Coding change: c.2341G>C on transcript NM_000548.5 (MANE Select); coding-DNA position 2341, G replaced by C.
Protein change: p.Asp781His; replaces aspartic acid 781 with histidine.
Molecular consequence: missense variant. On other transcripts: non-coding transcript variant (5).
Genome position (GRCh38, 1-based): chr16:2,072,969, G>C. VCF-style: chr16-2072969-G-C. GRCh37 (hg19) VCF-style: chr16-2122970-G-C.
Other names: c.2329G>C, p.Asp777His (NM_001406673.1, NM_001406671.1); c.2194G>C, p.Asp732His (NM_001406675.1, NM_001406676.1, NM_001406679.1 and 1 more transcripts); c.2284G>C, p.Asp762His (NM_001406677.1); c.2230G>C, p.Asp744His (NM_001406678.1, NM_001318827.2, NM_001406670.1); c.1741G>C, p.Asp581His (NM_001406680.1, NM_001406682.1, NM_001406683.1 and 6 more transcripts); c.1879G>C, p.Asp627His (NM_001406681.1); c.2341G>C, p.Asp781His (NM_001077183.3, NM_001114382.3, NM_001363528.2 and 6 more transcripts); c.2374G>C, p.Asp792His (NM_001318832.2); and 3 more; short protein forms D732H, D781H, D247H, D333H, D744H, D762H, D811H, D581H.
Identifiers: ClinVar variation 2832396 (VCV002832396.5), dbSNP rs1278830553, ClinGen allele CA394276685.